The following is an entry in ClinVar:

NM_000037.4(ANK1):c.2395A>C (p.Ser799Arg)

Gene: ANK1 (ankyrin 1; minus strand). Cytogenetic location: 8p11.21.
Variant type: single nucleotide variant.
Coding change: c.2395A>C on transcript NM_000037.4 (MANE Select); coding-DNA position 2395, A replaced by C.
Protein change: p.Ser799Arg; replaces serine 799 with arginine.
Molecular consequence: missense variant.
Genome position (GRCh38, 1-based): chr8:41,701,616, T>G on the plus strand (A>C on the coding strand, the complement: ANK1 is on the minus strand). VCF-style: chr8-41701616-T-G. GRCh37 (hg19) VCF-style: chr8-41559134-T-G.
Other names: c.2494A>C, p.Ser832Arg (NM_001142446.2); c.2395A>C, p.Ser799Arg (NM_020475.3, NM_020476.3, NM_020477.3); short protein forms S832R, S799R.
Identifiers: ClinVar variation 2920853 (VCV002920853.2), dbSNP rs200082332, ClinGen allele CA4728245.

ClinVar aggregate classification (germline): Uncertain significance. Review status: criteria provided, multiple submitters, no conflicts (2 of 4 stars). 2 submissions from 2 submitters: Uncertain significance (2). Last evaluated 2025-10-06.

Conditions:
Hereditary spherocytosis type 1. Also called: Spherocytosis type 1; ANK1-Related Spherocytosis. Identifiers: Orphanet 822, MedGen C2674218, MONDO:0008447, OMIM 182900.

Allele frequency attached by ClinVar (database versions not stated): ExAC 0.00001; gnomAD 0.00001; gnomAD exomes 0.00001; TOPMed 0.00002.
gnomAD v4.1: 26 of 1,613,944 alleles (0.0016%); highest among the groups gnomAD compares: Middle Eastern, 0.016%; no homozygotes.

Submissions (2):

Labcorp Genetics (formerly Invitae), Labcorp
Classification: Uncertain significance. Last evaluated: 2025-10-06. Review status: criteria provided, single submitter. Criteria: Invitae Variant Classification Sherloc (09022015). Collection method: clinical testing. Allele origin: germline.
Comment: This sequence change replaces serine, which is neutral and polar, with arginine, which is basic and polar, at codon 799 of the ANK1 protein (p.Ser799Arg). This variant is present in population databases (rs200082332, gnomAD 0.002%). This variant has not been reported in the literature in individuals affected with ANK1-related conditions. ClinVar contains an entry for this variant (Variation ID: 2920853). Invitae Evidence Modeling of protein sequence and biophysical properties (such as structural, functional, and spatial information, amino acid conservation, physicochemical variation, residue mobility, and thermodynamic stability) indicates that this missense variant is not expected to disrupt ANK1 protein function with a negative predictive value of 80%. In summary, the available evidence is currently insufficient to determine the role of this variant in disease. Therefore, it has been classified as a Variant of Uncertain Significance.

ARUP Laboratories, Molecular Genetics and Genomics, ARUP Laboratories
Classification: Uncertain significance for Hereditary spherocytosis type 1. Last evaluated: 2023-01-30. Review status: criteria provided, single submitter. Criteria: ARUP Molecular Germline Variant Investigation Process 2024. Collection method: clinical testing. Allele origin: germline.